The following is an entry in ClinVar:

ClinVar aggregate classification (germline): Uncertain significance (1 of 4 stars; one submission).

Submission:

Dasa
Classification: Uncertain significance. Last evaluated: 2026-07-11. Review status: criteria provided, single submitter. Criteria: DASA Assertion Criteria. Collection method: clinical testing. Allele origin: germline.
Comment: NM_006180.6(NTRK2):c.944T>G (p.Leu315Arg) is a missense variant that results in the substitution of leucine with arginine. This variant is absent from population databases. Computational prediction algorithms are consistent with a deleterious effect. The currently available literature and clinical evidence are not sufficient to establish a definitive association between this variant and the reported condition. Therefore, this variant is classified as a variant of uncertain significance.

NM_006180.6(NTRK2):c.944T>G (p.Leu315Arg)

Gene: NTRK2 (neurotrophic receptor tyrosine kinase 2; plus strand). Cytogenetic location: 9q21.33.
Variant type: single nucleotide variant.
Coding change: c.944T>G on transcript NM_006180.6 (MANE Select); coding-DNA position 944, T replaced by G.
Protein change: p.Leu315Arg; replaces leucine 315 with arginine.
Molecular consequence: missense variant.
Genome position (GRCh38, 1-based): chr9:84,727,744, T>G. VCF-style: chr9-84727744-T-G. GRCh37 (hg19) VCF-style: chr9-87342659-T-G.
Other names: c.944T>G, p.Leu315Arg (NM_001369541.1, NM_001369542.1, NM_001369543.1 and 16 more transcripts); c.905T>G, p.Leu302Arg (NM_001369546.1, NM_001291937.2); c.476T>G, p.Leu159Arg (NM_001369550.1, NM_001369535.1, NM_001369536.1 and 2 more transcripts); short protein forms L159R, L302R, L315R.
Identifiers: ClinVar variation 5020209 (VCV005020209.1).